The following is an entry in ClinVar:

NM_001127392.3(MYRF):c.1469G>A (p.Arg490His)

Gene: MYRF (myelin regulatory factor; plus strand). Cytogenetic location: 11q12.2.
Variant type: single nucleotide variant.
Coding change: c.1469G>A on transcript NM_001127392.3 (MANE Select); coding-DNA position 1469, G replaced by A.
Protein change: p.Arg490His; replaces arginine 490 with histidine.
Molecular consequence: missense variant.
Genome position (GRCh38, 1-based): chr11:61,776,402, G>A. VCF-style: chr11-61776402-G-A. GRCh37 (hg19) VCF-style: chr11-61543874-G-A.
Other names: c.1442G>A, p.Arg481His (NM_013279.4); short protein forms R481H, R490H.
Identifiers: ClinVar variation 3906518 (VCV003906518.4).

ClinVar aggregate classification (germline): Conflicting classifications of pathogenicity. Review status: criteria provided, conflicting classifications (1 of 4 stars). 3 submissions from 3 submitters: Likely pathogenic (2); Uncertain significance (1). Last evaluated 2026-02-18.

Conditions:
MYRF-related disorder. Also called: MYRF-related condition; MYRF-related disorders.
Cardiac-urogenital syndrome (CUGS). Also called: MYRF-Related Cardiac Urogenital Syndrome. Identifiers: Orphanet 647811, MedGen C4748946, MONDO:0032653, OMIM 618280.

Submissions (3):

GeneDx
Classification: Likely pathogenic. Last evaluated: 2026-02-18. Review status: criteria provided, single submitter. Criteria: GeneDx Variant Classification Process June 2021. Collection method: clinical testing. Allele origin: germline.
Comment: Not observed at significant frequency in large population cohorts (gnomAD); In silico analysis supports that this missense variant has a deleterious effect on protein structure/function; Has not been previously published as pathogenic or benign to our knowledge

PreventionGenetics, part of Exact Sciences
Classification: Likely pathogenic for MYRF-related condition. Last evaluated: 2025-07-01. Review status: criteria provided, single submitter. Criteria: ACMG Guidelines, 2015. Collection method: clinical testing. Allele origin: germline.
Comment: The MYRF c.1469G>A variant is predicted to result in the amino acid substitution p.Arg490His. To our knowledge, this variant has not been reported in the literature or in a large population database (gnomAD), indicating this variant is rare. This variant is interpreted as likely pathogenic.

3billion
Classification: Uncertain significance for Cardiac-urogenital syndrome. Last evaluated: 2025-03-13. Review status: criteria provided, single submitter. Criteria: ACMG Guidelines, 2015. Collection method: clinical testing. Allele origin: germline. Affected: yes.